The following is an entry in ClinVar:

NM_004991.4(MECOM):c.3683C>T (p.Ala1228Val)

Gene: MECOM (MDS1 and EVI1 complex locus; minus strand). Cytogenetic location: 3q26.2.
Variant type: single nucleotide variant.
Coding change: c.3683C>T on transcript NM_004991.4 (MANE Select); coding-DNA position 3683, C replaced by T.
Protein change: p.Ala1228Val; replaces alanine 1228 with valine.
Molecular consequence: missense variant.
Genome position (GRCh38, 1-based): chr3:169,084,946, G>A on the plus strand (C>T on the coding strand, the complement: MECOM is on the minus strand). VCF-style: chr3-169084946-G-A. GRCh37 (hg19) VCF-style: chr3-168802734-G-A.
Other names: c.3683C>T (NM_004991.3); c.3122C>T, p.Ala1041Val (NM_001366468.2, NM_001366467.2); c.3119C>T, p.Ala1040Val (NM_001366469.2, NM_005241.4, NM_001105078.4 and 1 more transcripts); c.3095C>T, p.Ala1032Val (NM_001366470.2, NM_001163999.2); c.3092C>T, p.Ala1031Val (NM_001366471.2, NM_001366472.2, NM_001164000.2); c.2684C>T, p.Ala895Val (NM_001366473.2); c.2120C>T, p.Ala707Val (NM_001366474.2); c.3314C>T, p.Ala1105Val (NM_001105077.4); and 1 more; short protein forms A1031V, A1032V, A1040V, A1041V, A1105V, A1219V, A1228V, A707V.
Identifiers: ClinVar variation 1338059 (VCV001338059.8), dbSNP rs779316050, ClinGen allele CA2695829.

ClinVar aggregate classification (germline): Uncertain significance. Review status: criteria provided, multiple submitters, no conflicts (2 of 4 stars). 3 submissions from 3 submitters: Uncertain significance (3). Last evaluated 2025-12-11.

Conditions:
Inborn genetic diseases. Identifiers: MedGen C0950123, MeSH D030342.

Allele frequency attached by ClinVar (database versions not stated): ExAC 0.00001; gnomAD 0.00003; gnomAD exomes 0.00003 and 0.00002; TOPMed 0.00003.
gnomAD v4.1: 47 of 1,613,944 alleles (0.0029%); highest among the groups gnomAD compares: Middle Eastern, 0.033%; no homozygotes.

Submissions (3):

Labcorp Genetics (formerly Invitae), Labcorp
Classification: Uncertain significance. Last evaluated: 2025-12-11. Review status: criteria provided, single submitter. Criteria: Invitae Variant Classification Sherloc (09022015). Collection method: clinical testing. Allele origin: germline.
Comment: This sequence change replaces alanine, which is neutral and non-polar, with valine, which is neutral and non-polar, at codon 1040 of the MECOM protein (p.Ala1040Val). This variant is present in population databases (rs779316050, gnomAD 0.006%). This variant has not been reported in the literature in individuals affected with MECOM-related conditions. ClinVar contains an entry for this variant (Variation ID: 1338059). Experimental studies and prediction algorithms are not available or were not evaluated, and the functional significance of this variant is currently unknown. In summary, the available evidence is currently insufficient to determine the role of this variant in disease. Therefore, it has been classified as a Variant of Uncertain Significance.

Ambry Genetics
Classification: Uncertain significance for Inborn genetic diseases. Last evaluated: 2025-04-18. Review status: criteria provided, single submitter. Criteria: Ambry Variant Classification Scheme 2023. Collection method: clinical testing. Allele origin: germline.

Genetic Services Laboratory, University of Chicago
Classification: Uncertain significance. Last evaluated: 2021-08-27. Review status: criteria provided, single submitter. Criteria: ACMG Guidelines, 2015. Collection method: clinical testing. Allele origin: germline. Affected: no.
Comment: DNA sequence analysis of the MECOM gene demonstrated a sequence change, c.3119C>T, in exon 16 that results in an amino acid change, p.Ala1040Val. This sequence change has been described in the gnomAD database with a frequency of 0.0056% in the Latino/Admixed American subpopulation (dbSNP rs779316050). The p.Ala1040Val change affects a moderately conserved amino acid residue located in a domain of the MECOM protein that is not known to be functional. In-silico pathogenicity prediction tools (SIFT, PolyPhen2, Align GVGD, REVEL) provide contradictory results for the p.Ala1040Val substitution. This sequence change does not appear to have been previously described in individuals with MECOM-related disorders. Due to insufficient evidences and the lack of functional studies, the clinical significance of the p.Ala1040Val change remains unknown at this time